The following is an entry in ClinVar:

ClinVar aggregate classification (germline): Likely benign. Review status: criteria provided, single submitter (1 of 4 stars). 2 submissions from 2 submitters: Likely benign (1). 1 of the submissions does not count toward it. Last evaluated 2025-10-21.

Conditions:
KDM6A-related disorder. Also called: KDM6A-related condition.
Kabuki syndrome 2 (KABUK2). Also called: KDM6A-Related Kabuki Syndrome. Identifiers: Orphanet 2322, MedGen C3275495, MONDO:0010465, OMIM 300867.

Submissions (2):

Labcorp Genetics (formerly Invitae), Labcorp
Classification: Likely benign for Kabuki syndrome 2. Last evaluated: 2025-10-21. Review status: criteria provided, single submitter. Criteria: Invitae Variant Classification Sherloc (09022015). Collection method: clinical testing. Allele origin: germline.

PreventionGenetics, part of Exact Sciences
Classification: Likely benign for KDM6A-related condition. Last evaluated: 2019-06-13. Review status: no assertion criteria provided. Collection method: clinical testing. Allele origin: germline. Not counted in ClinVar's aggregate classification.
Comment: This variant is classified as likely benign based on ACMG/AMP sequence variant interpretation guidelines (Richards et al. 2015 PMID: 25741868, with internal and published modifications).

NM_001291415.2(KDM6A):c.2859-3dup

Gene: KDM6A (lysine demethylase 6A; plus strand). Cytogenetic location: Xp11.3.
Variant type: Duplication.
Coding change: c.2859-3dup on transcript NM_001291415.2 (MANE Select); 3 bases into the intron before coding-DNA position 2859, one base duplicated (C; older notation c.2859-3dupC).
Molecular consequence: intron variant.
Genome position (GRCh38, 1-based): chrX:45,076,694, C duplicated; the last of 2 consecutive C bases (chrX:45,076,693-45,076,694); duplicating either gives the same sequence. VCF-style (leftmost placement, unchanged base first): chrX-45076692-T-TC. GRCh37 (hg19) VCF-style: chrX-44935937-T-TC.
Other names: c.2703-3dupC (NM_021140.3); c.2703-3dup (NM_021140.4); c.2724-3dup (NM_001291416.2); c.2568-3dup (NM_001291417.2); c.2466-3dup (NM_001291418.2); c.1815-3dup (NM_001291421.2).
Identifiers: ClinVar variation 1572337 (VCV001572337.10), dbSNP rs1339863219, ClinGen allele CA2573158879.